The following is an entry in ClinVar:

ClinVar aggregate classification (germline): Pathogenic (1 of 4 stars; one submission).

Conditions:
Duchenne muscular dystrophy (DMD). Also called: MUSCULAR DYSTROPHY, PSEUDOHYPERTROPHIC PROGRESSIVE, DUCHENNE TYPE; Duchenne Muscular Dystrophy (DMD). Identifiers: Orphanet 98896, MedGen C0013264, MONDO:0010679, OMIM 310200.

Submission:

Labcorp Genetics (formerly Invitae), Labcorp
Classification: Pathogenic for Duchenne muscular dystrophy. Last evaluated: 2020-10-07. Review status: criteria provided, single submitter. Criteria: Invitae Variant Classification Sherloc (09022015). Collection method: clinical testing. Allele origin: germline.
Comment: Loss-of-function variants in DMD are known to be pathogenic (PMID: 16770791, 25007885). For these reasons, this variant has been classified as Pathogenic. This variant has not been reported in the literature in individuals with DMD-related conditions. This variant is not present in population databases (ExAC no frequency). This sequence change creates a premature translational stop signal (p.Asp2177Metfs*12) in the DMD gene. It is expected to result in an absent or disrupted protein product.

Literature cited by the submitters: PubMed 16770791; PubMed 25007885.

NM_004006.3(DMD):c.6528del (p.Asp2177fs)

Gene: DMD (dystrophin; minus strand). Cytogenetic location: Xp21.1.
Variant type: Deletion.
Coding change: c.6528del on transcript NM_004006.3 (MANE Select); coding-DNA position 6528, one base deleted (A; older notation c.6528delA).
Protein change: p.Asp2177fs; shifts the reading frame from aspartic acid 2177.
Molecular consequence: frameshift variant. On other transcripts: 5 prime UTR variant (5).
Genome position (GRCh38, 1-based): chrX:31,968,425, T deleted on the plus strand (A on the coding strand, the reverse complement: DMD is on the minus strand). VCF-style (leftmost placement, unchanged base first): chrX-31968424-CT-C. GRCh37 (hg19) VCF-style: chrX-31986541-CT-C.
Other names: c.6504del, p.Asp2169fs (NM_000109.4); c.6516del, p.Asp2173fs (NM_004009.3); c.6159del, p.Asp2054fs (NM_004010.3); c.2505del, p.Asp836fs (NM_004011.4); c.2496del, p.Asp833fs (NM_004012.4); c.-853del (NM_004013.3, NM_004020.4, NM_004021.3 and 2 more transcripts); short protein forms D2054fs, D2169fs, D2173fs, D2177fs, D833fs, D836fs.
Identifiers: ClinVar variation 1075061 (VCV001075061.7), dbSNP rs2150187539, ClinGen allele CA2499226631.